The following is an entry in ClinVar:

ClinVar aggregate classification (germline): Conflicting classifications of pathogenicity. Review status: criteria provided, conflicting classifications (1 of 4 stars). 5 submissions from 5 submitters: Pathogenic (1); Likely pathogenic (3); Uncertain significance (1). Last evaluated 2026-06-26.

Conditions:
Recessive dystrophic epidermolysis bullosa (RDEB). Also called: epidermolysis bullosa dystrophica, autosomal recessive; Recessive DEB (RDEB); DYSTROPHIC EPIDERMOLYSIS BULLOSA, AUTOSOMAL RECESSIVE; EPIDERMOLYSIS BULLOSA DYSTROPHICA, HALLOPEAU-SIEMENS TYPE; EPIDERMOLYSIS BULLOSA DYSTROPHICA, GENERALIZED SEVERE, AUTOSOMAL RECESSIVE; Hallopeau-Siemens Disease. Identifiers: Orphanet 79408, Orphanet 79409, MedGen C0079474, MONDO:0009179, OMIM 226600.
Epidermolysis bullosa dystrophica. Also called: Dystrophic epidermolysis bullosa; Dystrophic epidermolysis bullosa, Hallopeau-Siemens type (formerly). Identifiers: Orphanet 303, MedGen C0079294, MONDO:0006543.
Transient bullous dermolysis of the newborn (TBDN). Also called: EPIDERMOLYSIS BULLOSA DYSTROPHICA, NEONATAL FORM; DYSTROPHIC EPIDERMOLYSIS BULLOSA, NEONATAL. Identifiers: Orphanet 79411, MedGen C1851573, MONDO:0007548, OMIM 131705.
Generalized dominant dystrophic epidermolysis bullosa (DDEB). Also called: Dominant DEB (DDEB); DYSTROPHIC EPIDERMOLYSIS BULLOSA, AUTOSOMAL DOMINANT; Epidermolysis bullosa dystrophica, autosomal dominant; DDEB, generalized; DDEB-gen. Identifiers: Orphanet 231568, MedGen C0432322, MONDO:0007549, OMIM 131750.
Pretibial dystrophic epidermolysis bullosa. Also called: Pretibial epidermolysis bullosa; EPIDERMOLYSIS BULLOSA DYSTROPHICA, PRETIBIAL; Pretibial blistering. Identifiers: Orphanet 79410, MedGen C0432321, MONDO:0007552, OMIM 131850, HP:0012221.
Dominant dystrophic epidermolysis bullosa with absence of skin. Also called: EPIDERMOLYSIS BULLOSA WITH CONGENITAL LOCALIZED ABSENCE OF SKIN AND DEFORMITY OF NAILS; EPIDERMOLYSIS BULLOSA DYSTROPHICA, BART TYPE. Identifiers: MedGen C0268371, MONDO:0007557, OMIM 132000.
Nonsyndromic congenital nail disorder 8. Also called: TOENAIL DYSTROPHY, ISOLATED. Identifiers: MedGen C1843761, MONDO:0011852, OMIM 607523.
Epidermolysis bullosa pruriginosa. Also called: DEB, PRURIGINOSA; DYSTROPHIC EPIDERMOLYSIS BULLOSA PRURIGINOSA. Identifiers: Orphanet 89843, MedGen C1275114, MONDO:0011398, OMIM 604129.

gnomAD v4.1: 8 of 1,614,116 alleles (0.0005%); highest among the groups gnomAD compares: Admixed American, 0.0017%; no homozygotes.

Submissions (5):

Myriad Genetics, Inc.
Classification: Uncertain significance for Recessive dystrophic epidermolysis bullosa. Last evaluated: 2026-06-26. Review status: criteria provided, single submitter. Criteria: Myriad Autosomal Dominant, Autosomal Recessive and X-Linked Classification Criteria (2023). Collection method: clinical testing. Allele origin: unknown.
Comment: NM_000094.3(COL7A1):c.7104+3A>T is an intronic variant classified as a variant of uncertain significance in the context of dystrophic epidermolysis bullosa. c.7104+3A>T has been observed in cases with relevant disease (PMID: 35979658). Relevant functional assessments of this variant are not available in the literature. c.7104+3A>T has been observed in referenced population frequency databases. In summary, there is insufficient evidence to classify NM_000094.3(COL7A1):c.7104+3A>T as pathogenic or benign. Please note: this variant was assessed in the context of healthy population screening.

Natera, Inc.
Classification: Likely pathogenic for Dystrophic epidermolysis bullosa. Last evaluated: 2025-07-07. Review status: criteria provided, single submitter. Criteria: Natera Variant Classification Schema (03/2026). Collection method: clinical testing. Allele origin: germline.
Comment: The c.7104+3A>T variant in COL7A1 is an intronic variant located outside the canonical splice sites. This variant is rare in the general population with a frequency below the threshold expected for the associated phenotype(s). This variant has been observed in one or more individuals affected with the associated recessive disease, as either homozygous or compound heterozygous with a second variant (PMID: 35979658). This variant has been identified in one or more affected individuals with a phenotype highly consistent with the associated gene (PMID: 35979658). Computational prediction algorithms indicate this variant is likely to affect gene or protein function. Given the available evidence, this variant is classified as Likely Pathogenic.

Fulgent Genetics
Classification: Likely pathogenic for Transient bullous dermolysis of the newborn; Generalized dominant dystrophic epidermolysis bullosa; Pretibial dystrophic epidermolysis bullosa; Dominant dystrophic epidermolysis bullosa with absence of skin; Recessive dystrophic epidermolysis bullosa; Epidermolysis bullosa pruriginosa; Nonsyndromic congenital nail disorder 8. Last evaluated: 2024-06-11. Review status: criteria provided, single submitter. Criteria: ACMG Guidelines, 2015. Collection method: clinical testing. Allele origin: germline.

Labcorp Genetics (formerly Invitae), Labcorp
Classification: Pathogenic. Last evaluated: 2024-02-23. Review status: criteria provided, single submitter. Criteria: Invitae Variant Classification Sherloc (09022015). Collection method: clinical testing. Allele origin: germline.
Comment: This sequence change falls in intron 92 of the COL7A1 gene. It does not directly change the encoded amino acid sequence of the COL7A1 protein. It affects a nucleotide within the consensus splice site. This variant is present in population databases (rs749077987, gnomAD 0.004%). This variant has been observed in individual(s) with autosomal recessive dystrophic epidermolysis bullosa (PMID: 35979658). ClinVar contains an entry for this variant (Variation ID: 1676611). Variants that disrupt the consensus splice site are a relatively common cause of aberrant splicing (PMID: 17576681, 9536098). Algorithms developed to predict the effect of sequence changes on RNA splicing suggest that this variant may disrupt the consensus splice site. For these reasons, this variant has been classified as Pathogenic.

Center for Research in Genodermatoses and Epidermolysis Bullosa, University of Buenos Aires
Classification: Likely pathogenic for Recessive dystrophic epidermolysis bullosa. Last evaluated: 2022-03-14. Review status: criteria provided, single submitter. Criteria: ACMG Guidelines, 2015. Collection method: clinical testing. Allele origin: germline. Affected: yes. Observed: 3 variant alleles, 2 compound heterozygotes, 1 homozygote.

Literature cited by the submitters: PubMed 35979658 (cited by 4 submitters); PubMed 17576681 (cited by Labcorp Genetics (formerly Invitae), Labcorp); PubMed 9536098 (cited by Labcorp Genetics (formerly Invitae), Labcorp).

NM_000094.4(COL7A1):c.7104+3A>T

Gene: COL7A1 (collagen type VII alpha 1 chain; minus strand). Cytogenetic location: 3p21.31.
Variant type: single nucleotide variant.
Coding change: c.7104+3A>T on transcript NM_000094.4 (MANE Select); 3 bases into the intron after coding-DNA position 7104, A replaced by T.
Molecular consequence: intron variant.
Genome position (GRCh38, 1-based): chr3:48,571,240, T>A on the plus strand (A>T on the coding strand, the complement: COL7A1 is on the minus strand). VCF-style: chr3-48571240-T-A. GRCh37 (hg19) VCF-style: chr3-48608673-T-A.
Identifiers: ClinVar variation 1676611 (VCV001676611.7), dbSNP rs749077987, ClinGen allele CA73975388.